The following is an entry in ClinVar:

ClinVar aggregate classification (germline): Uncertain significance. Review status: criteria provided, multiple submitters, no conflicts (2 of 4 stars). 2 submissions from 2 submitters: Uncertain significance (2). Last evaluated 2025-06-30.

Conditions:
Glycogen storage disease IXd (GSD9D). Also called: Muscle Phosphorylase Kinase Deficiency; GSD IXd. Identifiers: Orphanet 715, MedGen C1845151, MONDO:0010362, OMIM 300559.
Inborn genetic diseases. Identifiers: MedGen C0950123, MeSH D030342.

Allele frequency attached by ClinVar (database versions not stated): gnomAD exomes below 0.00001; TOPMed below 0.00001.
gnomAD v4.1: 1 of 1,201,700 alleles (0.000083%); highest among the groups gnomAD compares: South Asian, 0.0018%; no homozygotes.

Submissions (2):

Ambry Genetics
Classification: Uncertain significance for Inborn genetic diseases. Last evaluated: 2025-06-30. Review status: criteria provided, single submitter. Criteria: Ambry Variant Classification Scheme 2023. Collection method: clinical testing. Allele origin: germline.

Labcorp Genetics (formerly Invitae), Labcorp
Classification: Uncertain significance for Glycogen storage disease IXd. Last evaluated: 2022-01-31. Review status: criteria provided, single submitter. Criteria: Invitae Variant Classification Sherloc (09022015). Collection method: clinical testing. Allele origin: germline.
Comment: The frequency data for this variant in the population databases is considered unreliable, as metrics indicate poor data quality at this position in the gnomAD database. In summary, the available evidence is currently insufficient to determine the role of this variant in disease. Therefore, it has been classified as a Variant of Uncertain Significance. Algorithms developed to predict the effect of missense changes on protein structure and function output the following: SIFT: "Tolerated"; PolyPhen-2: "Benign"; Align-GVGD: "Class C0". The threonine amino acid residue is found in multiple mammalian species, which suggests that this missense change does not adversely affect protein function. This variant has not been reported in the literature in individuals affected with PHKA1-related conditions. This sequence change replaces alanine, which is neutral and non-polar, with threonine, which is neutral and polar, at codon 875 of the PHKA1 protein (p.Ala875Thr).

NM_002637.4(PHKA1):c.2623G>A (p.Ala875Thr)

Gene: PHKA1 (phosphorylase kinase regulatory subunit alpha 1; minus strand). Cytogenetic location: Xq13.1.
Variant type: single nucleotide variant.
Coding change: c.2623G>A on transcript NM_002637.4 (MANE Select); coding-DNA position 2623, G replaced by A.
Protein change: p.Ala875Thr; replaces alanine 875 with threonine.
Molecular consequence: missense variant.
Genome position (GRCh38, 1-based): chrX:72,605,603, C>T on the plus strand (G>A on the coding strand, the complement: PHKA1 is on the minus strand). VCF-style: chrX-72605603-C-T. GRCh37 (hg19) VCF-style: chrX-71825453-C-T.
Other names: c.2623G>A (NM_002637.3); c.2623G>A, p.Ala875Thr (NM_001122670.2); c.2446G>A, p.Ala816Thr (NM_001172436.2); short protein forms A875T, A816T.
Identifiers: ClinVar variation 2161512 (VCV002161512.5), dbSNP rs1406924000, ClinGen allele CA413589446.
Genomic context (GRCh38, chrX:72,605,603, plus strand): 5'-GTGTAAGGATTGAAATGCTCATATCCCCTTCACTGGCTTCATCTATCAGCTGAGTGAGCG[C>T]CTCATAGGGCAGAGGTCTAAGGAAAAAGACAGCAAAGAAAGACAATATTCTACAACCACT-3'
Protein context (NP_002628.2, residues 865-885): KTISAPLPYE[Ala875Thr]LTQLIDEASE